The following is an entry in ClinVar:

NM_001079872.2(CUL4B):c.1852+4G>T

Gene: CUL4B (cullin 4B; minus strand). Cytogenetic location: Xq24.
Variant type: single nucleotide variant.
Coding change: c.1852+4G>T on transcript NM_001079872.2 (MANE Select); 4 bases into the intron after coding-DNA position 1852, G replaced by T.
Molecular consequence: intron variant.
Genome position (GRCh38, 1-based): chrX:120,538,656, C>A on the plus strand (G>T on the coding strand, the complement: CUL4B is on the minus strand). VCF-style: chrX-120538656-C-A. GRCh37 (hg19) VCF-style: chrX-119672511-C-A.
Other names: c.1906+4G>T (NM_003588.4); c.1867+4G>T (NM_001330624.2); c.1318+4G>T (NM_001369145.1).
Identifiers: ClinVar variation 3348625 (VCV003348625.1).

ClinVar aggregate classification (germline): Likely benign (0 of 4 stars; one submission).

Conditions:
CUL4B-related disorder. Also called: CUL4B-related condition.

Submission:

PreventionGenetics, part of Exact Sciences
Classification: Likely benign for CUL4B-related condition. Last evaluated: 2023-11-10. Review status: no assertion criteria provided. Collection method: clinical testing. Allele origin: germline.
Comment: This variant is classified as likely benign based on ACMG/AMP sequence variant interpretation guidelines (Richards et al. 2015 PMID: 25741868, with internal and published modifications).